The following is an entry in ClinVar:

NM_001347721.2(DYRK1A):c.957_960del (p.Ser320fs)

Gene: DYRK1A (dual specificity tyrosine phosphorylation regulated kinase 1A; plus strand). Cytogenetic location: 21q22.13.
Variant type: Deletion.
Coding change: c.957_960del on transcript NM_001347721.2 (MANE Select); coding-DNA positions 957 to 960, 4 bases deleted (GTCT; older notation c.957_960delGTCT).
Protein change: p.Ser320fs; shifts the reading frame from serine 320.
Molecular consequence: frameshift variant.
Genome position (GRCh38, 1-based): chr21:37,493,049-37,493,052, GTCT deleted. VCF-style (leftmost placement, unchanged base first): chr21-37493048-GGTCT-G. GRCh37 (hg19) VCF-style: chr21-38865350-GGTCT-G.
Other names: c.957_960del, p.Ser320fs (NM_001347722.2, NM_130436.2); c.870_873del, p.Ser291fs (NM_001347723.2); c.984_987del, p.Ser329fs (NM_001396.5, NM_101395.2, NM_130438.2); short protein forms S291fs, S320fs, S329fs.
Identifiers: ClinVar variation 3340071 (VCV003340071.2).

ClinVar aggregate classification (germline): Likely pathogenic (1 of 4 stars; one submission).

Conditions:
DYRK1A-related intellectual disability syndrome (MRD7). Also called: DYRK1A Syndrome; Intellectual developmental disorder, autosomal dominant 7. Identifiers: Orphanet 464306, MedGen C5568143, MONDO:0013578, OMIM 614104.

Submission:

Institute of Human Genetics, University of Goettingen
Classification: Likely pathogenic for DYRK1A-related intellectual disability syndrome. Last evaluated: 2024-09-09. Review status: criteria provided, single submitter. Criteria: ACMG Guidelines, 2015. Collection method: clinical testing. Allele origin: de novo. Inheritance: Autosomal dominant inheritance. Affected: yes. Observed: 1 heterozygote.
Comment: PVS1: Null variant (frame-shift) in gene DYRK1A, predicted to cause NMD. Loss-of-function is a known mechanism of disease (gene has 207 reported pathogenic LOF variants). The exon affects 1 functional domain: UniProt protein DYR1A_HUMAN domain 'Protein kinase'. The exon contains 31 pathogenic variants. The truncated region contains 103 pathogenic variants. PM2_sup: Variant not found in gnomAD genomes, good gnomAD genomes coverage = 31.3.Variant not found in gnomAD exomes, good gnomAD exomes coverage = 62.6.